The following is an entry in ClinVar:

ClinVar aggregate classification (germline): Pathogenic (1 of 4 stars; one submission).

Conditions:
Osteogenesis imperfecta type I (OI1). Also called: Classic Non-deforming Osteogenesis Imperfecta with Blue Sclerae; Lobstein disease; OI, TYPE I; OSTEOGENESIS IMPERFECTA TARDA; OSTEOGENESIS IMPERFECTA WITH BLUE SCLERAE; Osteogenesis imperfecta type 1. Identifiers: Orphanet 216796, Orphanet 666, MedGen C0023931, MONDO:0008146, OMIM 166200. Disease mechanism: loss of function.

Submission:

Clinical Biomedical Laboratory, Shriners Hospital For Children - Canada
Classification: Pathogenic for Osteogenesis imperfecta type I. Last evaluated: 2025-07-16. Review status: criteria provided, single submitter. Criteria: ACMG Guidelines, 2015. Collection method: clinical testing. Allele origin: germline. Affected: yes.
Comment: This variant affects a consensus splice site in COL1A2. Variants affecting essential splice sites in COL1A2 are a typical cause of osteogenesis imperfecta. This variant has been previously reported as a cause of osteogenesis imperfecta (PMID: 27509835). Prediction tools (SpliceAI: 0.99) indicate that the variant affects splicing.

NM_000089.4(COL1A2):c.694-2A>G

Gene: COL1A2 (collagen type I alpha 2 chain; plus strand). Cytogenetic location: 7q21.3.
Variant type: single nucleotide variant.
Coding change: c.694-2A>G on transcript NM_000089.4 (MANE Select); the canonical splice acceptor site of the intron before coding-DNA position 694, A replaced by G.
Molecular consequence: splice acceptor variant.
Genome position (GRCh38, 1-based): chr7:94,408,334, A>G. VCF-style: chr7-94408334-A-G. GRCh37 (hg19) VCF-style: chr7-94037646-A-G.
Identifiers: ClinVar variation 4075360 (VCV004075360.1).